The following is an entry in ClinVar:

NM_000188.3(HK1):c.2719G>A (p.Val907Met)

Gene: HK1 (hexokinase 1; plus strand). Cytogenetic location: 10q22.1.
Variant type: single nucleotide variant.
Coding change: c.2719G>A on transcript NM_000188.3 (MANE Select); coding-DNA position 2719, G replaced by A.
Protein change: p.Val907Met; replaces valine 907 with methionine.
Molecular consequence: missense variant.
Genome position (GRCh38, 1-based): chr10:69,401,100, G>A. VCF-style: chr10-69401100-G-A. GRCh37 (hg19) VCF-style: chr10-71160856-G-A.
Other names: c.2731G>A, p.Val911Met (NM_001322364.2, NM_001358263.1, NM_033497.3 and 1 more transcripts); c.2824G>A, p.Val942Met (NM_001322365.2); c.2635G>A, p.Val879Met (NM_001322366.1); c.2623G>A, p.Val875Met (NM_001322367.1); c.2716G>A, p.Val906Met (NM_033496.3); c.2683G>A, p.Val895Met (NM_033500.2); short protein forms V879M, V895M, V907M, V911M, V942M, V906M, V875M.
Identifiers: ClinVar variation 1434581 (VCV001434581.6), dbSNP rs921463532, ClinGen allele CA209221024.

ClinVar aggregate classification (germline): Uncertain significance (1 of 4 stars; one submission).

Allele frequency attached by ClinVar (database versions not stated): TOPMed below 0.00001; gnomAD 0.00001; gnomAD exomes 0.00002.
gnomAD v4.1: 42 of 1,613,978 alleles (0.0026%); highest among the groups gnomAD compares: Non-Finnish European, 0.0033%; no homozygotes.

Submission:

Labcorp Genetics (formerly Invitae), Labcorp
Classification: Uncertain significance. Last evaluated: 2025-03-31. Review status: criteria provided, single submitter. Criteria: Invitae Variant Classification Sherloc (09022015). Collection method: clinical testing. Allele origin: germline.
Comment: This sequence change replaces valine, which is neutral and non-polar, with methionine, which is neutral and non-polar, at codon 907 of the HK1 protein (p.Val907Met). This variant is present in population databases (no rsID available, gnomAD 0.003%). This variant has not been reported in the literature in individuals affected with HK1-related conditions. ClinVar contains an entry for this variant (Variation ID: 1434581). Invitae Evidence Modeling of protein sequence and biophysical properties (such as structural, functional, and spatial information, amino acid conservation, physicochemical variation, residue mobility, and thermodynamic stability) indicates that this missense variant is not expected to disrupt HK1 protein function with a negative predictive value of 80%. In summary, the available evidence is currently insufficient to determine the role of this variant in disease. Therefore, it has been classified as a Variant of Uncertain Significance.